The following is an entry in ClinVar:

ClinVar aggregate classification (germline): Uncertain significance (1 of 4 stars; one submission).

Allele frequency attached by ClinVar (database versions not stated): ExAC 0.00001; gnomAD exomes 0.00002.
gnomAD v4.1: 31 of 1,614,078 alleles (0.0019%); highest among the groups gnomAD compares: Admixed American, 0.015%; no homozygotes.

Submission:

Labcorp Genetics (formerly Invitae), Labcorp
Classification: Uncertain significance. Last evaluated: 2022-03-09. Review status: criteria provided, single submitter. Criteria: Invitae Variant Classification Sherloc (09022015). Collection method: clinical testing. Allele origin: germline.
Comment: This variant is present in population databases (rs201327262, gnomAD 0.01%). This sequence change replaces glutamic acid, which is acidic and polar, with aspartic acid, which is acidic and polar, at codon 703 of the SIRT1 protein (p.Glu703Asp). In summary, the available evidence is currently insufficient to determine the role of this variant in disease. Therefore, it has been classified as a Variant of Uncertain Significance. Algorithms developed to predict the effect of missense changes on protein structure and function are either unavailable or do not agree on the potential impact of this missense change (SIFT: "Tolerated"; PolyPhen-2: "Probably Damaging"; Align-GVGD: "Class C0"). This variant has not been reported in the literature in individuals affected with SIRT1-related conditions.

NM_012238.5(SIRT1):c.2109A>C (p.Glu703Asp)

Gene: SIRT1 (sirtuin 1; plus strand). Cytogenetic location: 10q21.3.
Variant type: single nucleotide variant.
Coding change: c.2109A>C on transcript NM_012238.5 (MANE Select); coding-DNA position 2109, A replaced by C.
Protein change: p.Glu703Asp; replaces glutamic acid 703 with aspartic acid.
Molecular consequence: missense variant.
Genome position (GRCh38, 1-based): chr10:67,916,458, A>C. VCF-style: chr10-67916458-A-C. GRCh37 (hg19) VCF-style: chr10-69676215-A-C.
Other names: c.1224A>C, p.Glu408Asp (NM_001142498.2); c.1200A>C, p.Glu400Asp (NM_001314049.2); short protein forms E408D, E400D, E703D.
Identifiers: ClinVar variation 2182216 (VCV002182216.4), dbSNP rs201327262, ClinGen allele CA5521411.